The following is an entry in ClinVar:

NM_006206.6(PDGFRA):c.2396C>T (p.Thr799Ile)

Gene: PDGFRA (platelet derived growth factor receptor alpha; plus strand). Cytogenetic location: 4q12.
Variant type: single nucleotide variant.
Coding change: c.2396C>T on transcript NM_006206.6 (MANE Select); coding-DNA position 2396, C replaced by T.
Protein change: p.Thr799Ile; replaces threonine 799 with isoleucine.
Molecular consequence: missense variant.
Genome position (GRCh38, 1-based): chr4:54,285,443, C>T. VCF-style: chr4-54285443-C-T. GRCh37 (hg19) VCF-style: chr4-55151610-C-T.
Other names: c.2396C>T (NM_006206.4); c.2471C>T, p.Thr824Ile (NM_001347828.2); c.2396C>T, p.Thr799Ile (NM_001347829.2); c.2435C>T, p.Thr812Ile (NM_001347830.2); short protein forms T799I, T812I, T824I.
Identifiers: ClinVar variation 1366903 (VCV001366903.7), dbSNP rs772948645, ClinGen allele CA2922847.

ClinVar aggregate classification (germline): Uncertain significance. Review status: criteria provided, multiple submitters, no conflicts (2 of 4 stars). 2 submissions from 2 submitters: Uncertain significance (2). Last evaluated 2025-02-26.

Conditions:
Hereditary cancer-predisposing syndrome. Also called: Tumor predisposition; Hereditary Cancer Syndrome; Hereditary neoplastic syndrome; Neoplastic Syndromes, Hereditary. Identifiers: Orphanet 140162, MedGen C0027672, MeSH D009386, MONDO:0015356.
Gastrointestinal stromal tumor. Also called: Gastrointestinal stroma tumor; Gastrointestinal stromal tumor, somatic. Identifiers: Orphanet 44890, MedGen C0238198, MeSH D046152, MONDO:0011719, OMIM 606764, HP:0100723.

Allele frequency attached by ClinVar (database versions not stated): gnomAD exomes below 0.00001 and 0.00001; TOPMed below 0.00001; ExAC 0.00001; gnomAD 0.00001.
gnomAD v4.1: 11 of 1,586,744 alleles (0.00069%); highest among the groups gnomAD compares: South Asian, 0.0044%; no homozygotes.

Submissions (2):

Labcorp Genetics (formerly Invitae), Labcorp
Classification: Uncertain significance for Gastrointestinal stromal tumor. Last evaluated: 2025-02-26. Review status: criteria provided, single submitter. Criteria: Invitae Variant Classification Sherloc (09022015). Collection method: clinical testing. Allele origin: germline.
Comment: This sequence change replaces threonine, which is neutral and polar, with isoleucine, which is neutral and non-polar, at codon 799 of the PDGFRA protein (p.Thr799Ile). This variant is present in population databases (rs772948645, gnomAD 0.003%). This variant has not been reported in the literature in individuals affected with PDGFRA-related conditions. ClinVar contains an entry for this variant (Variation ID: 1366903). Invitae Evidence Modeling of protein sequence and biophysical properties (such as structural, functional, and spatial information, amino acid conservation, physicochemical variation, residue mobility, and thermodynamic stability) indicates that this missense variant is not expected to disrupt PDGFRA protein function with a negative predictive value of 80%. In summary, the available evidence is currently insufficient to determine the role of this variant in disease. Therefore, it has been classified as a Variant of Uncertain Significance.

Ambry Genetics
Classification: Uncertain significance for Hereditary cancer-predisposing syndrome. Last evaluated: 2024-11-03. Review status: criteria provided, single submitter. Criteria: Ambry Variant Classification Scheme 2023. Collection method: clinical testing. Allele origin: germline.
Comment: The p.T799I variant (also known as c.2396C>T), located in coding exon 16 of the PDGFRA gene, results from a C to T substitution at nucleotide position 2396. The threonine at codon 799 is replaced by isoleucine, an amino acid with similar properties. This amino acid position is conserved. In addition, this alteration is predicted to be deleterious by in silico analysis. Based on the available evidence, the clinical significance of this variant remains unclear.